The following is an entry in ClinVar:

ClinVar aggregate classification (germline): Benign/Likely benign. Review status: criteria provided, multiple submitters, no conflicts (2 of 4 stars). 5 submissions from 5 submitters: Benign (2); Likely benign (3). Last evaluated 2026-02-11.

Conditions:
CTCF-related disorder. Also called: CTCF-related condition. Identifiers: MedGen CN381101.
Inborn genetic diseases. Identifiers: MedGen C0950123, MeSH D030342.

Allele frequency attached by ClinVar (database versions not stated): ESP Exome Variant Server 0.00038; gnomAD 0.00042 and 0.00047; TOPMed 0.00046; gnomAD exomes 0.00066.
gnomAD v4.1: 1,016 of 1,609,330 alleles (0.063%); highest among the groups gnomAD compares: Non-Finnish European, 0.076%; no homozygotes.

Submissions (5):

PreventionGenetics, part of Exact Sciences
Classification: Likely benign for CTCF-related condition. Last evaluated: 2026-02-11. Review status: criteria provided, single submitter. Criteria: ACMG Guidelines, 2015. Collection method: clinical testing. Allele origin: germline.
Comment: This variant is classified as likely benign based on ACMG/AMP sequence variant interpretation guidelines (Richards et al. 2015 PMID: 25741868, with internal and published modifications).

CeGaT Center for Human Genetics Tuebingen
Classification: Likely benign. Last evaluated: 2026-01-01. Review status: criteria provided, single submitter. Criteria: CeGaT Center For Human Genetics Tuebingen Variant Classification Criteria Version 2. Collection method: clinical testing. Allele origin: germline. Affected: yes. Observed: 6 variant alleles.
Comment: CTCF: BP4, BP7

GeneDx
Classification: Benign. Last evaluated: 2021-07-21. Review status: criteria provided, single submitter. Criteria: GeneDx Variant Classification Process June 2021. Collection method: clinical testing. Allele origin: germline. Affected: yes.

Genetic Services Laboratory, University of Chicago
Classification: Benign. Last evaluated: 2017-04-14. Review status: criteria provided, single submitter. Criteria: ACMG Guidelines, 2015. Collection method: clinical testing. Allele origin: germline. Affected: no.

Ambry Genetics
Classification: Likely benign for Inborn genetic diseases. Last evaluated: 2017-04-11. Review status: criteria provided, single submitter. Criteria: Ambry Variant Classification Scheme 2023. Collection method: clinical testing. Allele origin: germline.

NM_006565.4(CTCF):c.1887C>T (p.Ala629=)

Gene: CTCF (CCCTC-binding factor; plus strand). Cytogenetic location: 16q22.1.
Variant type: single nucleotide variant.
Coding change: c.1887C>T on transcript NM_006565.4 (MANE Select); coding-DNA position 1887, C replaced by T.
Protein change: p.Ala629=; no amino-acid change (alanine 629 retained).
Molecular consequence: synonymous variant.
Genome position (GRCh38, 1-based): chr16:67,636,739, C>T. VCF-style: chr16-67636739-C-T. GRCh37 (hg19) VCF-style: chr16-67670642-C-T.
Other names: c.903C>T, p.Ala301= (NM_001191022.2); c.1887C>T, p.Ala629= (NM_001363916.2).
Identifiers: ClinVar variation 210799 (VCV000210799.36), dbSNP rs149766428, ClinGen allele CA206283.